The following is an entry in ClinVar:

NM_001267550.2(TTN):c.37397C>T (p.Pro12466Leu)

Gene: TTN (titin; minus strand). Cytogenetic location: 2q31.2.
Variant type: single nucleotide variant.
Coding change: c.37397C>T on transcript NM_001267550.2 (MANE Select); coding-DNA position 37397, C replaced by T.
Protein change: p.Pro12466Leu; replaces proline 12466 with leucine.
Molecular consequence: missense variant. On other transcripts: intron variant (3).
Genome position (GRCh38, 1-based): chr2:178,659,061, G>A on the plus strand (C>T on the coding strand, the complement: TTN is on the minus strand). VCF-style: chr2-178659061-G-A. GRCh37 (hg19) VCF-style: chr2-179523788-G-A.
Other names: c.31685C>T, p.Pro10562Leu (NM_133378.4); c.34466C>T, p.Pro11489Leu (NM_001256850.1); c.13283-16744C>T (NM_003319.4); c.13859-16744C>T (NM_133437.4); c.13658-16744C>T (NM_133432.3); short protein forms P10562L, P12466L, P11489L.
Identifiers: ClinVar variation 166095 (VCV000166095.8), dbSNP rs727503632, ClinGen allele CA178890.

ClinVar aggregate classification (germline): Conflicting classifications of pathogenicity. Review status: criteria provided, conflicting classifications (1 of 4 stars). 3 submissions from 3 submitters: Uncertain significance (2); Likely benign (1). Last evaluated 2024-10-21.

Conditions:
Autosomal recessive limb-girdle muscular dystrophy type 2J (LGMDR10). Also called: Limb-girdle muscular dystrophy, type 2J; MUSCULAR DYSTROPHY, LIMB-GIRDLE, AUTOSOMAL RECESSIVE 10. Identifiers: Orphanet 140922, MedGen C1837342, MONDO:0012127, OMIM 608807.
Dilated cardiomyopathy 1G (CMD1G). Identifiers: Orphanet 154, MedGen C1858763, MONDO:0011400, OMIM 604145.

Submissions (3):

Blueprint Genetics
Classification: Likely benign. Last evaluated: 2024-10-21. Review status: criteria provided, single submitter. Criteria: ACMG Guidelines, 2015. Collection method: clinical testing. Allele origin: germline.

Labcorp Genetics (formerly Invitae), Labcorp
Classification: Uncertain significance for Dilated cardiomyopathy 1G; Autosomal recessive limb-girdle muscular dystrophy type 2J. Last evaluated: 2017-10-16. Review status: criteria provided, single submitter. Criteria: Invitae Variant Classification Sherloc (09022015). Collection method: clinical testing. Allele origin: germline.

Laboratory for Molecular Medicine, Mass General Brigham Personalized Medicine
Classification: Uncertain significance. Last evaluated: 2013-04-21. Review status: criteria provided, single submitter. Criteria: LMM Criteria. Collection method: clinical testing. Allele origin: germline. Observed: 1 variant allele.
Comment: The Pro10562Leu variant in TTN has not been reported in individuals with cardiom yopathy. Data from large population studies is insufficient to assess the freque ncy of this variant. Computational analyses (biochemical amino acid properties, conservation, AlignGVGD, PolyPhen2, and SIFT) do not provide strong support for or against an impact to the protein. Additional information is needed to fully a ssess the clinical significance of this variant.